The following is an entry in ClinVar:

ClinVar aggregate classification (germline): Uncertain significance (1 of 4 stars; one submission).

Conditions:
Ichthyosis vulgaris. Also called: ICHTHYOSIS SIMPLEX; Dominant ichthyosis vulgaris. Identifiers: MedGen C0079584, MONDO:0024304, OMIM 146700.
Dermatitis, atopic, 2. Identifiers: MedGen C1853965, MONDO:0011596, OMIM 605803.

gnomAD v4.1: 4 of 1,614,056 alleles (0.00025%); highest among the groups gnomAD compares: East Asian, 0.0022%; no homozygotes.

Submission:

Juno Genomics, Hangzhou Juno Genomics, Inc
Classification: Uncertain significance for Dermatitis, atopic, 2; Ichthyosis vulgaris. Review status: criteria provided, single submitter. Criteria: ACMG Guidelines, 2015. Collection method: clinical testing. Allele origin: germline.
Comment: Null variant in a gene where loss of function (LOF) is a known mechanism of disease.;Absent from controls (or at extremely low frequency if recessive) in Genome Aggregation Database.

NM_002016.2(FLG):c.3318G>A (p.Trp1106Ter)

Genes: CCDST (cervical cancer associated DHX9 suppressive transcript; plus strand), FLG (filaggrin; minus strand). Cytogenetic location: 1q21.3.
Variant type: single nucleotide variant.
Coding change: c.3318G>A on transcript NM_002016.2 (MANE Select); coding-DNA position 3318, G replaced by A.
Protein change: p.Trp1106Ter; replaces tryptophan 1106 with a stop codon.
Molecular consequence: nonsense.
Genome position (GRCh38, 1-based): chr1:152,311,568, C>T on the plus strand (G>A on the coding strand, the complement: FLG is on the minus strand). VCF-style: chr1-152311568-C-T. GRCh37 (hg19) VCF-style: chr1-152284044-C-T.
Other names: short protein forms W1106*.
Identifiers: ClinVar variation 5007755 (VCV005007755.2).